The following is an entry in ClinVar:

NM_005560.6(LAMA5):c.4781G>A (p.Gly1594Glu)

Gene: LAMA5 (laminin subunit alpha 5; minus strand). Cytogenetic location: 20q13.33.
Variant type: single nucleotide variant.
Coding change: c.4781G>A on transcript NM_005560.6 (MANE Select); coding-DNA position 4781, G replaced by A.
Protein change: p.Gly1594Glu; replaces glycine 1594 with glutamic acid.
Molecular consequence: missense variant.
Genome position (GRCh38, 1-based): chr20:62,327,882, C>T on the plus strand (G>A on the coding strand, the complement: LAMA5 is on the minus strand). VCF-style: chr20-62327882-C-T. GRCh37 (hg19) VCF-style: chr20-60902938-C-T.
Other names: short protein forms G1594E.
Identifiers: ClinVar variation 4978261 (VCV004978261.1).

ClinVar aggregate classification (germline): Uncertain significance (1 of 4 stars; one submission).

Conditions:
LAMA5-related disorder. Also called: LAMA5-Related Disorders; LAMA5-related condition.

gnomAD v4.1: 28 of 1,609,992 alleles (0.0017%); highest among the groups gnomAD compares: Admixed American, 0.045%; no homozygotes.

Submission:

PreventionGenetics, part of Exact Sciences
Classification: Uncertain significance for LAMA5-related condition. Last evaluated: 2026-02-28. Review status: criteria provided, single submitter. Criteria: ACMG Guidelines, 2015. Collection method: clinical testing. Allele origin: germline.
Comment: The LAMA5 c.4781G>A variant is predicted to result in the amino acid substitution p.Gly1594Glu. To our knowledge, this variant has not been reported in the literature. This variant is reported in 0.045% of alleles in individuals of Latino descent in gnomAD. At this time, the clinical significance of this variant is uncertain due to the absence of conclusive functional and genetic evidence.